The following is an entry in ClinVar:

ClinVar aggregate classification (germline): Uncertain significance (1 of 4 stars; one submission).

Submission:

Labcorp Genetics (formerly Invitae), Labcorp
Classification: Uncertain significance. Last evaluated: 2022-05-09. Review status: criteria provided, single submitter. Criteria: Invitae Variant Classification Sherloc (09022015). Collection method: clinical testing. Allele origin: germline.
Comment: This variant is not present in population databases (gnomAD no frequency). In summary, the available evidence is currently insufficient to determine the role of this variant in disease. Therefore, it has been classified as a Variant of Uncertain Significance. Algorithms developed to predict the effect of missense changes on protein structure and function are either unavailable or do not agree on the potential impact of this missense change (SIFT: "Tolerated"; PolyPhen-2: "Probably Damaging"; Align-GVGD: "Class C0"). This variant has not been reported in the literature in individuals affected with THBD-related conditions. This sequence change replaces cysteine, which is neutral and slightly polar, with glycine, which is neutral and non-polar, at codon 369 of the THBD protein (p.Cys369Gly).

NM_000361.3(THBD):c.1105T>G (p.Cys369Gly)

Gene: THBD (thrombomodulin; minus strand). Cytogenetic location: 20p11.21.
Variant type: single nucleotide variant.
Coding change: c.1105T>G on transcript NM_000361.3 (MANE Select); coding-DNA position 1105, T replaced by G.
Protein change: p.Cys369Gly; replaces cysteine 369 with glycine.
Molecular consequence: missense variant.
Genome position (GRCh38, 1-based): chr20:23,048,400, A>C on the plus strand (T>G on the coding strand, the complement: THBD is on the minus strand). VCF-style: chr20-23048400-A-C. GRCh37 (hg19) VCF-style: chr20-23029037-A-C.
Other names: short protein forms C369G.
Identifiers: ClinVar variation 2135951 (VCV002135951.4), dbSNP rs942414488, ClinGen allele CA408406261.